The following is an entry in ClinVar:

ClinVar aggregate classification (germline): Uncertain significance (1 of 4 stars; one submission).

Allele frequency attached by ClinVar (database versions not stated): gnomAD exomes 0.00001; TOPMed 0.00001.
gnomAD v4.1: 40 of 1,613,982 alleles (0.0025%); highest among the groups gnomAD compares: Non-Finnish European, 0.0032%; no homozygotes.

Submission:

Laboratory for Molecular Medicine, Mass General Brigham Personalized Medicine
Classification: Uncertain significance. Last evaluated: 2019-06-04. Review status: criteria provided, single submitter. Criteria: LMM Criteria. Collection method: clinical testing. Allele origin: germline. Observed: 1 variant allele.
Comment: The p.Arg22Gln variant in RSPH4A has not been previously reported in individuals with primary ciliary dyskinesia but has been identified in 0.004% (1/24932) of African chromosomes by gnomAD. Computational prediction tools and conservation analysis suggest that this variant may not impact the protein, though this information is not predictive enough to rule out pathogenicity. In summary, the clinical significance of this variant is uncertain. ACMG/AMP Criteria applied: BP4, PM2_Supporting.

NM_001010892.3(RSPH4A):c.65G>A (p.Arg22Gln)

Genes: RSPH4A (radial spoke head component 4A; plus strand), LOC129997052 (ATAC-STARR-seq lymphoblastoid active region 24998; plus strand). Cytogenetic location: 6q22.1.
Variant type: single nucleotide variant.
Coding change: c.65G>A on transcript NM_001010892.3 (MANE Select); coding-DNA position 65, G replaced by A.
Protein change: p.Arg22Gln; replaces arginine 22 with glutamine.
Molecular consequence: missense variant.
Genome position (GRCh38, 1-based): chr6:116,616,688, G>A. VCF-style: chr6-116616688-G-A. GRCh37 (hg19) VCF-style: chr6-116937851-G-A.
Other names: c.65G>A, p.Arg22Gln (NM_001161664.2); short protein forms R22Q.
Identifiers: ClinVar variation 930014 (VCV000930014.4), dbSNP rs762438592, ClinGen allele CA365389535.